The following is an entry in ClinVar:

NM_015656.2(KIF26A):c.2375A>G (p.Tyr792Cys)

Gene: KIF26A (kinesin family member 26A; plus strand). Cytogenetic location: 14q32.33.
Variant type: single nucleotide variant.
Coding change: c.2375A>G on transcript NM_015656.2 (MANE Select); coding-DNA position 2375, A replaced by G.
Protein change: p.Tyr792Cys; replaces tyrosine 792 with cysteine.
Molecular consequence: missense variant.
Genome position (GRCh38, 1-based): chr14:104,175,163, A>G. VCF-style: chr14-104175163-A-G. GRCh37 (hg19) VCF-style: chr14-104641500-A-G.
Other names: short protein forms Y792C.
Identifiers: ClinVar variation 5019307 (VCV005019307.2).

ClinVar aggregate classification (germline): Uncertain significance (1 of 4 stars; one submission).

Conditions:
Cortical dysplasia, complex, with other brain malformations 11 (CDCBM11). Identifiers: MedGen C5774270, MONDO:0859332, OMIM 620156.

gnomAD v4.1: 34 of 1,607,500 alleles (0.0021%); highest among the groups gnomAD compares: East Asian, 0.069%; no homozygotes.

Submission:

Juno Genomics, Hangzhou Juno Genomics, Inc
Classification: Uncertain significance for Cortical dysplasia, complex, with other brain malformations 11. Review status: criteria provided, single submitter. Criteria: ACMG Guidelines, 2015. Collection method: clinical testing. Allele origin: germline.
Comment: Absent from controls (or at extremely low frequency if recessive) in Genome Aggregation Database.;Multiple lines of computational evidence support a deleterious effect on the gene or gene product.